The following is an entry in ClinVar:

NM_000748.3(CHRNB2):c.1439_1441del (p.Gln480del)

Gene: CHRNB2 (cholinergic receptor nicotinic beta 2 subunit; plus strand). Cytogenetic location: 1q21.3.
Variant type: Deletion.
Coding change: c.1439_1441del on transcript NM_000748.3 (MANE Select); coding-DNA positions 1439 to 1441, 3 bases deleted (AGC; older notation c.1439_1441delAGC).
Protein change: p.Gln480del; deletes glutamine 480.
Molecular consequence: inframe deletion.
Genome position (GRCh38, 1-based): chr1:154,575,862-154,575,864, AGC deleted; deleting any 3 consecutive bases within chr1:154,575,860-154,575,864 gives the same sequence; the c. name uses the placement nearest the transcript's 3' end. VCF-style (leftmost placement, unchanged base first): chr1-154575859-TGCA-T. GRCh37 (hg19) VCF-style: chr1-154548335-TGCA-T.
Other names: short protein forms Q480del.
Identifiers: ClinVar variation 3008609 (VCV003008609.3), dbSNP rs2526384566, ClinGen allele CA2740090374.

ClinVar aggregate classification (germline): Uncertain significance (1 of 4 stars; one submission).

Conditions:
Familial sleep-related hypermotor epilepsy. Also called: Autosomal Dominant Sleep-Related Hypermotor (Hyperkinetic) Epilepsy. Identifiers: Orphanet 98784, MedGen C3696898, MONDO:0000030.

Submission:

Labcorp Genetics (formerly Invitae), Labcorp
Classification: Uncertain significance. Last evaluated: 2024-10-23. Review status: criteria provided, single submitter. Criteria: Invitae Variant Classification Sherloc (09022015). Collection method: clinical testing. Allele origin: germline.
Comment: This variant, c.1439_1441del, results in the deletion of 1 amino acid(s) of the CHRNB2 protein (p.Gln480del), but otherwise preserves the integrity of the reading frame. This variant is not present in population databases (gnomAD no frequency). This variant has not been reported in the literature in individuals affected with CHRNB2-related conditions. Experimental studies and prediction algorithms are not available or were not evaluated, and the functional significance of this variant is currently unknown. In summary, the available evidence is currently insufficient to determine the role of this variant in disease. Therefore, it has been classified as a Variant of Uncertain Significance.